The following is an entry in ClinVar:

NM_001111.5(ADAR):c.*1016C>T

Gene: ADAR (adenosine deaminase RNA specific; minus strand). Cytogenetic location: 1q21.3.
Variant type: single nucleotide variant.
Coding change: c.*1016C>T on transcript NM_001111.5 (MANE Select); 1016 bases downstream of the stop codon, C replaced by T.
Molecular consequence: 3 prime UTR variant.
Genome position (GRCh38, 1-based): chr1:154,583,790, G>A on the plus strand (C>T on the coding strand, the complement: ADAR is on the minus strand). VCF-style: chr1-154583790-G-A. GRCh37 (hg19) VCF-style: chr1-154556266-G-A.
Other names: c.*1016C>T (LRG_1212t1, NM_001025107.3, NM_001193495.2 and 7 more transcripts).
Identifiers: ClinVar variation 292729 (VCV000292729.6), dbSNP rs1127314, ClinGen allele CA10608281.

ClinVar aggregate classification (germline): Benign. Review status: criteria provided, multiple submitters, no conflicts (2 of 4 stars). 2 submissions from 2 submitters: Benign (2). Last evaluated 2018-01-12.

Conditions:
Symmetrical dyschromatosis of extremities (DSH). Also called: Dyschromatosis symmetrica hereditaria; DYSCHROMATOSIS SYMMETRICA HEREDITARIA 1; RETICULATE ACROPIGMENTATION OF DOHI; SYMMETRIC DYSCHROMATOSIS OF THE EXTREMITIES. Identifiers: Orphanet 41, MedGen C0406775, MONDO:0007483, OMIM 127400.

Allele frequency attached by ClinVar (database versions not stated): gnomAD 0.59417 and 0.60355; 1000 Genomes Project 0.59784; TOPMed 0.59966; gnomAD exomes 0.50000; 1000 Genomes Project 30x 0.58932.
gnomAD v4.1: 91,899 of 152,104 alleles (60%); highest among the groups gnomAD compares: South Asian, 77%; 29,819 homozygotes.

Submissions (2):

Illumina Laboratory Services, Illumina
Classification: Benign for Symmetrical dyschromatosis of extremities. Last evaluated: 2018-01-12. Review status: criteria provided, single submitter. Criteria: ICSL Variant Classification Criteria 13 December 2019. Collection method: clinical testing. Allele origin: germline.
Comment: This variant was observed in the ICSL laboratory as part of a predisposition screen in an ostensibly healthy population. It had not been previously curated by ICSL or reported in the Human Gene Mutation Database (HGMD: prior to June 1st, 2018), and was therefore a candidate for classification through an automated scoring system. Utilizing variant allele frequency, disease prevalence and penetrance estimates, and inheritance mode, an automated score was calculated to assess if this variant is too frequent to cause the disease. Based on the score and internal cut-off values, a variant classified as benign is not then subjected to further curation. The score for this variant resulted in a classification of benign for this disease.

Breakthrough Genomics
Classification: Benign. Review status: criteria provided, single submitter. Criteria: ACMG Guidelines, 2015. Collection method: not provided. Allele origin: germline. Inheritance: Autosomal recessive inheritance. Affected: yes.